The following is an entry in ClinVar:

ClinVar aggregate classification (germline): Conflicting classifications of pathogenicity. Review status: criteria provided, conflicting classifications (1 of 4 stars). 3 submissions from 3 submitters: Likely pathogenic (1); Uncertain significance (2). Last evaluated 2022-05-31.

Conditions:
Growth delay due to insulin-like growth factor I resistance. Also called: Somatomedin end-organ insensitivity to; Somatomedin-c resistance to; IGF-1 resistance; IGF-I RESISTANCE; Insulin-Like Growth Factor I Resistance. Identifiers: Orphanet 73273, MedGen C1849157, MONDO:0010038, OMIM 270450.

Allele frequency attached by ClinVar (database versions not stated): gnomAD exomes below 0.00001.
gnomAD v4.1: 2 of 1,613,630 alleles (0.00012%); highest among the groups gnomAD compares: Non-Finnish European, 0.00017%; no homozygotes.

Submissions (3):

GeneDx
Classification: Uncertain significance. Last evaluated: 2022-05-31. Review status: criteria provided, single submitter. Criteria: GeneDx Variant Classification Process June 2021. Collection method: clinical testing. Allele origin: germline. Affected: yes.
Comment: Not observed at significant frequency in large population cohorts (gnomAD); In silico analysis supports that this missense variant has a deleterious effect on protein structure/function; Has not been previously published as pathogenic or benign to our knowledge

MVZ Martinsried, Medicover Genetics
Classification: Likely pathogenic for Growth delay due to insulin-like growth factor I resistance. Last evaluated: 2022-03-31. Review status: criteria provided, single submitter. Criteria: ACGS Guidelines, 2020. Collection method: clinical testing. Allele origin: de novo. Affected: yes.

Victorian Clinical Genetics Services, Murdoch Childrens Research Institute
Classification: Uncertain significance for Growth delay due to insulin-like growth factor I resistance. Last evaluated: 2021-05-06. Review status: criteria provided, single submitter. Criteria: ACMG Guidelines, 2015. Collection method: clinical testing. Allele origin: germline. Affected: yes.
Comment: Based on the classification scheme VCGS_Germline_v1.3.4, this variant is classified as VUS-3B. Following criteria are met: 0102 - Loss of function is a known mechanism of disease in this gene and is associated with resistance to insulin-like growth factor I (MIM#270450). (I) 0108 - This gene is associated with both recessive and dominant disease. Autosomal dominant is the predominant of inheritance pattern, with biallelic individuals displaying a more severe phenotype (PMID: 31586944). (I) 0200 - Variant is predicted to result in a missense amino acid change from arginine to histidine. (I) 0251 - This variant is heterozygous. (I) 0301 - Variant is absent from gnomAD (both v2 and v3). (SP) 0309 - An alternative amino acid change at the same position has been observed in gnomAD (v2: 2 heterozygotes, 0 homozygotes). (I) 0501 - Missense variant consistently predicted to be damaging by multiple in silico tools or highly conserved with a major amino acid change. (SP) 0600 - Variant is located in the annotated furin-like cysteine rich domain (DECIPHER, NCBI). (I) 0705 - No comparable missense variants have previous evidence for pathogenicity. (I) 0807 - This variant has no previous evidence of pathogenicity. (I) 0905 - No published segregation evidence has been identified for this variant. (I) 1007 - No published functional evidence has been identified for this variant. (I) 1208 - Inheritance information for this variant is not currently available in this individual. (I) Legend: (SP) - Supporting pathogenic, (I) - Information, (SB) - Supporting benign

Literature cited by the submitters: PubMed 31586944 (cited by Victorian Clinical Genetics Services, Murdoch Childrens Research Institute).

NM_000875.5(IGF1R):c.824G>A (p.Arg275His)

Gene: IGF1R (insulin like growth factor 1 receptor; plus strand). Cytogenetic location: 15q26.3.
Variant type: single nucleotide variant.
Coding change: c.824G>A on transcript NM_000875.5 (MANE Select); coding-DNA position 824, G replaced by A.
Protein change: p.Arg275His; replaces arginine 275 with histidine.
Molecular consequence: missense variant.
Genome position (GRCh38, 1-based): chr15:98,891,508, G>A. VCF-style: chr15-98891508-G-A. GRCh37 (hg19) VCF-style: chr15-99434737-G-A.
Other names: c.824G>A, p.Arg275His (NM_001291858.2); c.824G>A (NM_000875.3, NM_000875.4); short protein forms R275H.
Identifiers: ClinVar variation 1527907 (VCV001527907.3), dbSNP rs1250642880, ClinGen allele CA393666092.